The following is an entry in ClinVar:

NM_001844.5(COL2A1):c.2140G>C (p.Gly714Arg)

Gene: COL2A1 (collagen type II alpha 1 chain; minus strand). Cytogenetic location: 12q13.11.
Variant type: single nucleotide variant.
Coding change: c.2140G>C on transcript NM_001844.5 (MANE Select); coding-DNA position 2140, G replaced by C.
Protein change: p.Gly714Arg; replaces glycine 714 with arginine.
Molecular consequence: missense variant.
Genome position (GRCh38, 1-based): chr12:47,982,901, C>G on the plus strand (G>C on the coding strand, the complement: COL2A1 is on the minus strand). VCF-style: chr12-47982901-C-G. GRCh37 (hg19) VCF-style: chr12-48376684-C-G.
Other names: c.1933G>C, p.Gly645Arg (NM_033150.3); short protein forms G645R, G714R.
Identifiers: ClinVar variation 3027058 (VCV003027058.22), dbSNP rs2540136030, ClinGen allele CA384547040.
Genomic context (GRCh38, chr12:47,982,901, plus strand): 5'-CACTTACTTTGGGACCATCAGTGCCAGGAGTGCCGGGGAGGCCACGGGGACCCTGGAGGC[C>G]CTGGGCACCGGGAGAGCCACGTTCACCTGGGAAACCTCGTTCACCCTGCGGCAGAGACAC-3'
Protein context (NP_001835.3, residues 704-724): PGERGSPGAQ[Gly714Arg]LQGPRGLPGT

ClinVar aggregate classification (germline): Likely pathogenic (1 of 4 stars; one submission).

Submission:

CeGaT Center for Human Genetics Tuebingen
Classification: Likely pathogenic. Last evaluated: 2024-01-01. Review status: criteria provided, single submitter. Criteria: CeGaT Center For Human Genetics Tuebingen Variant Classification Criteria Version 2. Collection method: clinical testing. Allele origin: germline. Affected: yes. Observed: 1 variant allele.
Comment: COL2A1: PM1:Strong, PM2, PM5, PP3